The following is an entry in ClinVar:

NM_000051.4(ATM):c.4396C>G (p.Arg1466Gly)

Gene: ATM (ATM serine/threonine kinase; plus strand). Cytogenetic location: 11q22.3.
Variant type: single nucleotide variant.
Coding change: c.4396C>G on transcript NM_000051.4 (MANE Select); coding-DNA position 4396, C replaced by G.
Protein change: p.Arg1466Gly; replaces arginine 1466 with glycine.
Molecular consequence: missense variant.
Genome position (GRCh38, 1-based): chr11:108,289,761, C>G. VCF-style: chr11-108289761-C-G. GRCh37 (hg19) VCF-style: chr11-108160488-C-G.
Other names: p.R1466G:CGA>GGA; c.4396C>G, p.Arg1466Gly (NM_001351834.2); short protein forms R1466G.
Identifiers: ClinVar variation 181956 (VCV000181956.23), dbSNP rs730881369, ClinGen allele CA298242.

ClinVar aggregate classification (germline): Conflicting classifications of pathogenicity. Review status: criteria provided, conflicting classifications (1 of 4 stars). 8 submissions from 8 submitters: Uncertain significance (7); Likely benign (1). Last evaluated 2025-08-25.

Conditions:
Familial colorectal cancer type X. Identifiers: Orphanet 440437, MedGen C3896578, MONDO:0018604.
Hereditary cancer-predisposing syndrome. Also called: Tumor predisposition; Hereditary Cancer Syndrome; Hereditary neoplastic syndrome; Neoplastic Syndromes, Hereditary. Identifiers: Orphanet 140162, MedGen C0027672, MeSH D009386, MONDO:0015356.
Familial cancer of breast. Also called: BREAST CANCER, FAMILIAL; hereditary breast carcinoma; Hereditary breast cancer. Identifiers: Orphanet 227535, MedGen C0346153, MONDO:0016419, OMIM 114480. Disease mechanism: loss of function.
Ataxia-telangiectasia syndrome (AT). Also called: LOUIS-BAR SYNDROME; Cerebello-oculocutaneous telangiectasia; Immunodeficiency with ataxia telangiectasia; ATAXIA-TELANGIECTASIA, COMPLEMENTATION GROUP A; ATAXIA-TELANGIECTASIA, FRESNO VARIANT; Ataxia-telangiectasia. Identifiers: Orphanet 100, MedGen C0004135, MONDO:0008840, OMIM 208900.

Allele frequency attached by ClinVar (database versions not stated): gnomAD 0.00001 and 0.00003; TOPMed 0.00001.
gnomAD v4.1: 10 of 1,613,282 alleles (0.00062%); highest among the groups gnomAD compares: Admixed American, 0.0017%; no homozygotes.

Submissions (8):

Molecular Diagnostics Laboratory, Catalan Institute of Oncology
Classification: Uncertain significance for Hereditary cancer-predisposing syndrome. Last evaluated: 2025-08-25. Review status: criteria provided, single submitter. Criteria: ClinGen ACMG Specifications ATM V1.1.0. Collection method: clinical testing. Allele origin: germline.
Comment: - c.4396C>G, located in exon 29 of the ATM gene, is predicted to result in the substitution of Arginine with Glycine at codon 1466, p.(Arg1466Gly). This variant is found in 2/267936 alleles at a frequency of 0.0007% in the gnomAD v2.1.1 database, non-cancer dataset. The SpliceAI algorithm predicts no significant impact on splicing and the REVEL meta-predictor score (0.552) for this variant is indeterminate regarding the effect that it may have on protein function. To our knowledge, neither relevant clinical data nor well-established functional studies have been reported for this variant. It has been reported in ClinVar (6x VUS, 1x Likely benign). Based on the currently available evidence, c.4396C>G is classified as an uncertain significance variant according to ClinGen-ATM Guidelines v.1.1.

Labcorp Genetics (formerly Invitae), Labcorp
Classification: Uncertain significance for Ataxia-telangiectasia syndrome. Last evaluated: 2025-08-20. Review status: criteria provided, single submitter. Criteria: Invitae Variant Classification Sherloc (09022015). Collection method: clinical testing. Allele origin: germline.
Comment: This sequence change replaces arginine, which is basic and polar, with glycine, which is neutral and non-polar, at codon 1466 of the ATM protein (p.Arg1466Gly). This variant is present in population databases (rs730881369, gnomAD 0.002%). This missense change has been observed in individual(s) with breast cancer (PMID: 34326862). ClinVar contains an entry for this variant (Variation ID: 181956). Invitae Evidence Modeling of protein sequence and biophysical properties (such as structural, functional, and spatial information, amino acid conservation, physicochemical variation, residue mobility, and thermodynamic stability) has been performed for this missense variant. However, the output from this modeling did not meet the statistical confidence thresholds required to predict the impact of this variant on ATM protein function. In summary, the available evidence is currently insufficient to determine the role of this variant in disease. Therefore, it has been classified as a Variant of Uncertain Significance.

GeneDx
Classification: Uncertain significance. Last evaluated: 2024-03-19. Review status: criteria provided, single submitter. Criteria: GeneDx Variant Classification Process June 2021. Collection method: clinical testing. Allele origin: germline. Affected: yes.
Comment: Not observed at significant frequency in large population cohorts (gnomAD); In silico analysis supports that this missense variant has a deleterious effect on protein structure/function; This variant is associated with the following publications: (PMID: 28779002, 25186627, 28652578, 34326862, 33280026)

Baylor Genetics
Classification: Uncertain significance for Familial cancer of breast. Last evaluated: 2023-09-21. Review status: criteria provided, single submitter. Criteria: ACMG Guidelines, 2015. Collection method: clinical testing. Allele origin: unknown.

Department of Pathology and Laboratory Medicine, Sinai Health System
Classification: Uncertain significance for Familial colorectal cancer type X. Last evaluated: 2023-08-28. Review status: criteria provided, single submitter. Criteria: ACMG Guidelines, 2015. Collection method: clinical testing. Allele origin: germline. Affected: yes.

Ambry Genetics
Classification: Likely benign for Hereditary cancer-predisposing syndrome. Last evaluated: 2020-07-16. Review status: criteria provided, single submitter. Criteria: Ambry Variant Classification Scheme 2023. Collection method: clinical testing. Allele origin: germline.

Spanish ATM Cancer Susceptibility Variant Interpretation Working Group
Classification: Uncertain significance for Hereditary cancer-predisposing syndrome. Last evaluated: 2020-06-17. Review status: criteria provided, single submitter. Criteria: Feliubadaló L et al. (Clin Chem 2021). Collection method: clinical testing. Allele origin: germline. Affected: yes. Observed: 4 heterozygotes. Clinical features observed: Breast carcinoma.
Comment: The c.4396C>G (p.Arg1466Gly) variant appears only twice in the gnomAD v2.1.1 non-cancer dataset (0.0007% frequency), specifically in the European (non-Finnish) subpopulation (PM2). This missense variant is not predicted to lead to a splicing alteration as per SPiCE predictor and no splicing site is created/activated according to at least 3 splicing predictors of the set SpliceSiteFinderlike - MaxEntScan - NNSplice – GeneSplicer, but it alters the protein function / structure on the in-silico prediction reports of REVEL and VEST4 (PP3). There is no other supporting data that meet criteria for consideration. Therefore, the clinical significance of this variant is uncertain. Adapted ACMG/AMP rules applied as defined by the Spanish ATM working group: PM2 + PP3 (PMID: 33280026).

Color Diagnostics, LLC DBA Color Health
Classification: Uncertain significance for Hereditary cancer-predisposing syndrome. Last evaluated: 2019-03-01. Review status: criteria provided, single submitter. Criteria: ACMG Guidelines, 2015. Collection method: clinical testing. Allele origin: germline.

Literature cited by the submitters: PubMed 34326862 (cited by Labcorp Genetics (formerly Invitae), Labcorp); PubMed 33471991 (cited by Department of Pathology and Laboratory Medicine, Sinai Health System); PubMed 25186627 (cited by Department of Pathology and Laboratory Medicine, Sinai Health System); PubMed 28652578 (cited by Department of Pathology and Laboratory Medicine, Sinai Health System); PubMed 28779002 (cited by Department of Pathology and Laboratory Medicine, Sinai Health System).